The following is an entry in ClinVar:

ClinVar aggregate classification (germline): Likely benign (1 of 4 stars; one submission).

Allele frequency attached by ClinVar (database versions not stated): gnomAD 0.00001; TOPMed 0.00002; ExAC 0.00003; ESP Exome Variant Server 0.00008.
gnomAD v4.1: 32 of 1,613,868 alleles (0.002%); highest among the groups gnomAD compares: East Asian, 0.0045%; no homozygotes.

Submission:

CeGaT Center for Human Genetics Tuebingen
Classification: Likely benign. Last evaluated: 2022-07-01. Review status: criteria provided, single submitter. Criteria: CeGaT Center For Human Genetics Tuebingen Variant Classification Criteria Version 2. Collection method: clinical testing. Allele origin: germline. Affected: yes. Observed: 1 variant allele.
Comment: ZFR2: BP4, BP7

NM_015174.2(ZFR2):c.1341G>A (p.Ala447=)

Gene: ZFR2 (zinc finger RNA binding protein 2; minus strand). Cytogenetic location: 19p13.3.
Variant type: single nucleotide variant.
Coding change: c.1341G>A on transcript NM_015174.2 (MANE Select); coding-DNA position 1341, G replaced by A.
Protein change: p.Ala447=; no amino-acid change (alanine 447 retained).
Molecular consequence: synonymous variant.
Genome position (GRCh38, 1-based): chr19:3,823,276, C>T on the plus strand (G>A on the coding strand, the complement: ZFR2 is on the minus strand). VCF-style: chr19-3823276-C-T. GRCh37 (hg19) VCF-style: chr19-3823274-C-T.
Identifiers: ClinVar variation 2649014 (VCV002649014.24), dbSNP rs371065673, ClinGen allele CA9086537.